The following is an entry in ClinVar:

NM_052867.4(NALCN):c.4546T>C (p.Cys1516Arg)

Gene: NALCN (sodium leak channel, non-selective; minus strand). Cytogenetic location: 13q32.3.
Variant type: single nucleotide variant.
Coding change: c.4546T>C on transcript NM_052867.4 (MANE Select); coding-DNA position 4546, T replaced by C.
Protein change: p.Cys1516Arg; replaces cysteine 1516 with arginine.
Molecular consequence: missense variant.
Genome position (GRCh38, 1-based): chr13:101,065,462, A>G on the plus strand (T>C on the coding strand, the complement: NALCN is on the minus strand). VCF-style: chr13-101065462-A-G. GRCh37 (hg19) VCF-style: chr13-101717814-A-G.
Other names: c.4633T>C, p.Cys1545Arg (NM_001350748.2); c.4546T>C, p.Cys1516Arg (NM_001350749.2); c.4459T>C, p.Cys1487Arg (NM_001350750.2, NM_001350751.2); short protein forms C1487R, C1516R, C1545R.
Identifiers: ClinVar variation 2574833 (VCV002574833.2), dbSNP rs2501831615, ClinGen allele CA388645404.

ClinVar aggregate classification (germline): Uncertain significance (1 of 4 stars; one submission).

Submission:

GeneDx
Classification: Uncertain significance. Last evaluated: 2025-10-30. Review status: criteria provided, single submitter. Criteria: GeneDx Variant Classification Process June 2021. Collection method: clinical testing. Allele origin: germline. Affected: yes.
Comment: Not observed at significant frequency in large population cohorts (gnomAD); In silico analysis supports that this missense variant has a deleterious effect on protein structure/function; Has not been previously published as pathogenic or benign to our knowledge